The following is an entry in ClinVar:

NM_002890.3(RASA1):c.703A>G (p.Met235Val)

Genes: CCNH (cyclin H; minus strand), RASA1 (RAS p21 protein activator 1; plus strand). Cytogenetic location: 5q14.3.
Variant type: single nucleotide variant.
Coding change: c.703A>G on transcript NM_002890.3 (MANE Select); coding-DNA position 703, A replaced by G.
Protein change: p.Met235Val; replaces methionine 235 with valine.
Molecular consequence: missense variant. On other transcripts: intron variant (1).
Genome position (GRCh38, 1-based): chr5:87,332,517, A>G. VCF-style: chr5-87332517-A-G. GRCh37 (hg19) VCF-style: chr5-86628334-A-G.
Other names: c.172A>G, p.Met58Val (NM_022650.3); c.934-19722T>C (NM_001364075.2); short protein forms M235V, M58V.
Identifiers: ClinVar variation 905355 (VCV000905355.7), dbSNP rs1757677358, ClinGen allele CA360376904.

ClinVar aggregate classification (germline): Uncertain significance. Review status: criteria provided, multiple submitters, no conflicts (2 of 4 stars). 3 submissions from 3 submitters: Uncertain significance (3). Last evaluated 2025-04-06.

Conditions:
Cardiovascular phenotype. Identifiers: MedGen CN230736.
Capillary malformation-arteriovenous malformation 1 (CMAVM1). Identifiers: Orphanet 137667, Orphanet 693907, MedGen C4747394, MONDO:0020783, OMIM 608354.
Capillary malformation-arteriovenous malformation syndrome. Also called: Capillary malformation-arteriovenous malformation. Identifiers: Orphanet 137667, MedGen C1842180, MONDO:0012016.

Allele frequency attached by ClinVar (database versions not stated): gnomAD exomes below 0.00001.
gnomAD v4.1: 7 of 1,606,368 alleles (0.00044%); highest among the groups gnomAD compares: Non-Finnish European, 0.00043%; no homozygotes.

Submissions (3):

Labcorp Genetics (formerly Invitae), Labcorp
Classification: Uncertain significance for Capillary malformation-arteriovenous malformation syndrome. Last evaluated: 2025-04-06. Review status: criteria provided, single submitter. Criteria: Invitae Variant Classification Sherloc (09022015). Collection method: clinical testing. Allele origin: germline.
Comment: This sequence change replaces methionine, which is neutral and non-polar, with valine, which is neutral and non-polar, at codon 235 of the RASA1 protein (p.Met235Val). This variant is not present in population databases (gnomAD no frequency). This variant has not been reported in the literature in individuals affected with RASA1-related conditions. ClinVar contains an entry for this variant (Variation ID: 905355). An algorithm developed to predict the effect of missense changes on protein structure and function (PolyPhen-2) suggests that this variant is likely to be tolerated. In summary, the available evidence is currently insufficient to determine the role of this variant in disease. Therefore, it has been classified as a Variant of Uncertain Significance.

Ambry Genetics
Classification: Uncertain significance for Cardiovascular phenotype. Last evaluated: 2024-01-22. Review status: criteria provided, single submitter. Criteria: Ambry Variant Classification Scheme 2023. Collection method: clinical testing. Allele origin: germline.
Comment: The p.M235V variant (also known as c.703A>G), located in coding exon 3 of the RASA1 gene, results from an A to G substitution at nucleotide position 703. The methionine at codon 235 is replaced by valine, an amino acid with highly similar properties. This amino acid position is conserved. In addition, the in silico prediction for this alteration is inconclusive. Based on the available evidence, the clinical significance of this alteration remains unclear.

Illumina Laboratory Services, Illumina
Classification: Uncertain significance for Capillary malformation-arteriovenous malformation 1. Last evaluated: 2018-01-13. Review status: criteria provided, single submitter. Criteria: ICSL Variant Classification Criteria 13 December 2019. Collection method: clinical testing. Allele origin: germline.